The following is an entry in ClinVar:

ClinVar aggregate classification (germline): Conflicting classifications of pathogenicity. Review status: criteria provided, conflicting classifications (1 of 4 stars). 2 submissions from 2 submitters: Uncertain significance (1); Likely benign (1). Last evaluated 2025-10-01.

Conditions:
Inborn genetic diseases. Identifiers: MedGen C0950123, MeSH D030342.
Congenital myasthenic syndrome 10. Also called: Myasthenia, limb-girdle, familial. Identifiers: Orphanet 590, MedGen C1850792, MONDO:0009690, OMIM 254300.
Fetal akinesia deformation sequence 1 (FADS1). Also called: Pena-Shokeir syndrome type I; Fetal akinesia sequence. Identifiers: Orphanet 994, MedGen C1276035, MONDO:0100101, OMIM 208150, HP:0001989.

Allele frequency attached by ClinVar (database versions not stated): TOPMed below 0.00001; gnomAD exomes 0.00001.
gnomAD v4.1: 11 of 1,564,266 alleles (0.0007%); highest among the groups gnomAD compares: Middle Eastern, 0.017%; no homozygotes.

Submissions (2):

Ambry Genetics
Classification: Likely benign for Inborn genetic diseases. Last evaluated: 2025-10-01. Review status: criteria provided, single submitter. Criteria: Ambry Variant Classification Scheme 2023. Collection method: clinical testing. Allele origin: germline.

Labcorp Genetics (formerly Invitae), Labcorp
Classification: Uncertain significance for Congenital myasthenic syndrome 10; Fetal akinesia deformation sequence 1. Last evaluated: 2023-08-04. Review status: criteria provided, single submitter. Criteria: Invitae Variant Classification Sherloc (09022015). Collection method: clinical testing. Allele origin: germline.
Comment: In summary, the available evidence is currently insufficient to determine the role of this variant in disease. Therefore, it has been classified as a Variant of Uncertain Significance. Algorithms developed to predict the effect of missense changes on protein structure and function output the following: SIFT: "Not Available"; PolyPhen-2: "Benign"; Align-GVGD: "Not Available". The alanine amino acid residue is found in multiple mammalian species, which suggests that this missense change does not adversely affect protein function. This variant has not been reported in the literature in individuals affected with DOK7-related conditions. This variant is present in population databases (no rsID available, gnomAD 0.009%). This sequence change replaces threonine, which is neutral and polar, with alanine, which is neutral and non-polar, at codon 226 of the DOK7 protein (p.Thr226Ala). ClinVar contains an entry for this variant (Variation ID: 1041755).

NM_173660.5(DOK7):c.676A>G (p.Thr226Ala)

Gene: DOK7 (docking protein 7; plus strand). Cytogenetic location: 4p16.3.
Variant type: single nucleotide variant.
Coding change: c.676A>G on transcript NM_173660.5 (MANE Select); coding-DNA position 676, A replaced by G.
Protein change: p.Thr226Ala; replaces threonine 226 with alanine.
Molecular consequence: missense variant. On other transcripts: 5 prime UTR variant (1).
Genome position (GRCh38, 1-based): chr4:3,489,700, A>G. VCF-style: chr4-3489700-A-G. GRCh37 (hg19) VCF-style: chr4-3491427-A-G.
Other names: c.676A>G (NM_173660.4); c.665A>G, p.Asp222Gly (NM_001164673.2); c.-255A>G (NM_001256896.2); c.676A>G, p.Thr226Ala (NM_001301071.2); c.244A>G, p.Thr82Ala (NM_001363811.2); short protein forms D222G, T226A, T82A.
Identifiers: ClinVar variation 1041755 (VCV001041755.10), dbSNP rs1447016347, ClinGen allele CA356115367.